The following is an entry in ClinVar:

NM_001367561.1(DOCK7):c.4826A>G (p.Gln1609Arg)

Gene: DOCK7 (dedicator of cytokinesis 7; minus strand). Cytogenetic location: 1p31.3.
Variant type: single nucleotide variant.
Coding change: c.4826A>G on transcript NM_001367561.1 (MANE Select); coding-DNA position 4826, A replaced by G.
Protein change: p.Gln1609Arg; replaces glutamine 1609 with arginine.
Molecular consequence: missense variant.
Genome position (GRCh38, 1-based): chr1:62,496,436, T>C on the plus strand (A>G on the coding strand, the complement: DOCK7 is on the minus strand). VCF-style: chr1-62496436-T-C. GRCh37 (hg19) VCF-style: chr1-62962107-T-C.
Other names: c.4799A>G, p.Gln1600Arg (NM_001271999.2, NM_001330614.2); c.4706A>G, p.Gln1569Arg (NM_001272000.2, NM_001272001.2); c.4733A>G, p.Gln1578Arg (NM_033407.4); short protein forms Q1600R, Q1578R, Q1569R, Q1609R.
Identifiers: ClinVar variation 1446702 (VCV001446702.8), dbSNP rs2149303338, ClinGen allele CA340614577.

ClinVar aggregate classification (germline): Uncertain significance (1 of 4 stars; one submission).

Conditions:
Developmental and epileptic encephalopathy, 23 (DEE23). Also called: Epileptic encephalopathy, early infantile, 23. Identifiers: Orphanet 411986, MedGen C4014492, MONDO:0014371, OMIM 615859.

Submission:

Labcorp Genetics (formerly Invitae), Labcorp
Classification: Uncertain significance for Developmental and epileptic encephalopathy, 23. Last evaluated: 2024-07-01. Review status: criteria provided, single submitter. Criteria: Invitae Variant Classification Sherloc (09022015). Collection method: clinical testing. Allele origin: germline.
Comment: This sequence change replaces glutamine, which is neutral and polar, with arginine, which is basic and polar, at codon 1600 of the DOCK7 protein (p.Gln1600Arg). This variant is not present in population databases (gnomAD no frequency). This variant has not been reported in the literature in individuals affected with DOCK7-related conditions. ClinVar contains an entry for this variant (Variation ID: 1446702). Advanced modeling of protein sequence and biophysical properties (such as structural, functional, and spatial information, amino acid conservation, physicochemical variation, residue mobility, and thermodynamic stability) performed at Invitae indicates that this missense variant is not expected to disrupt DOCK7 protein function with a negative predictive value of 80%. In summary, the available evidence is currently insufficient to determine the role of this variant in disease. Therefore, it has been classified as a Variant of Uncertain Significance.